The following is an entry in ClinVar:

NM_004336.5(BUB1):c.890A>G (p.His297Arg)

Gene: BUB1 (BUB1 mitotic checkpoint serine/threonine kinase; minus strand). Cytogenetic location: 2q13.
Variant type: single nucleotide variant.
Coding change: c.890A>G on transcript NM_004336.5 (MANE Select); coding-DNA position 890, A replaced by G.
Protein change: p.His297Arg; replaces histidine 297 with arginine.
Molecular consequence: missense variant.
Genome position (GRCh38, 1-based): chr2:110,666,330, T>C on the plus strand (A>G on the coding strand, the complement: BUB1 is on the minus strand). VCF-style: chr2-110666330-T-C. GRCh37 (hg19) VCF-style: chr2-111423907-T-C.
Other names: c.830A>G, p.His277Arg (NM_001278616.2); c.890A>G, p.His297Arg (NM_001278617.2); short protein forms H277R, H297R.
Identifiers: ClinVar variation 1765073 (VCV001765073.2), dbSNP rs2468025913, ClinGen allele CA348216526.

ClinVar aggregate classification (germline): Uncertain significance (1 of 4 stars; one submission).

gnomAD v4.1: 1 of 1,536,080 alleles (0.000065%); highest among the groups gnomAD compares: Non-Finnish European, 0.000088%; no homozygotes.

Submission:

Ambry Genetics
Classification: Uncertain significance. Last evaluated: 2022-04-11. Review status: criteria provided, single submitter. Criteria: Ambry Variant Classification Scheme 2023. Collection method: clinical testing. Allele origin: germline.
Comment: The p.H297R variant (also known as c.890A>G), located in coding exon 9 of the BUB1 gene, results from an A to G substitution at nucleotide position 890. The histidine at codon 297 is replaced by arginine, an amino acid with highly similar properties. This amino acid position is conserved. In addition, this alteration is predicted to be tolerated by in silico analysis. Since supporting evidence is limited at this time, the clinical significance of this alteration remains unclear.